The following is an entry in ClinVar:

NM_001349253.2(SCN11A):c.3496-3A>G

Genes: SCN11A (sodium voltage-gated channel alpha subunit 11; minus strand), LOC126806652 (CDK7 strongly-dependent group 2 enhancer GRCh37_chr3:38912374-38913573; plus strand). Cytogenetic location: 3p22.2.
Variant type: single nucleotide variant.
Coding change: c.3496-3A>G on transcript NM_001349253.2 (MANE Select); 3 bases into the intron before coding-DNA position 3496, A replaced by G.
Molecular consequence: intron variant.
Genome position (GRCh38, 1-based): chr3:38,871,711, T>C on the plus strand (A>G on the coding strand, the complement: SCN11A is on the minus strand). VCF-style: chr3-38871711-T-C. GRCh37 (hg19) VCF-style: chr3-38913202-T-C.
Other names: c.3496-3A>G (NM_014139.3).
Identifiers: ClinVar variation 2942082 (VCV002942082.3), dbSNP rs1268757869, ClinGen allele CA542615975.

ClinVar aggregate classification (germline): Uncertain significance (1 of 4 stars; one submission).

Conditions:
Hereditary sensory and autonomic neuropathy type 7. Also called: HSAN VII; Neuropathy, hereditary sensory and autonomic, type VII. Identifiers: Orphanet 391397, MedGen C3809882, MONDO:0014244, OMIM 615548.
Familial episodic pain syndrome with predominantly lower limb involvement. Also called: Episodic pain syndrome, familial, 3. Identifiers: Orphanet 391384, Orphanet 391392, MedGen C3809899, MONDO:0014247, OMIM 615552.

Allele frequency attached by ClinVar (database versions not stated): TOPMed below 0.00001; gnomAD 0.00001; gnomAD exomes 0.00001.
gnomAD v4.1: 8 of 1,580,182 alleles (0.00051%); highest among the groups gnomAD compares: African/African-American, 0.0014%; no homozygotes.

Submission:

Labcorp Genetics (formerly Invitae), Labcorp
Classification: Uncertain significance for Familial episodic pain syndrome with predominantly lower limb involvement; Hereditary sensory and autonomic neuropathy type 7. Last evaluated: 2023-04-05. Review status: criteria provided, single submitter. Criteria: Invitae Variant Classification Sherloc (09022015). Collection method: clinical testing. Allele origin: germline.
Comment: In summary, the available evidence is currently insufficient to determine the role of this variant in disease. Therefore, it has been classified as a Variant of Uncertain Significance. Variants that disrupt the consensus splice site are a relatively common cause of aberrant splicing (PMID: 17576681, 9536098). Algorithms developed to predict the effect of sequence changes on RNA splicing suggest that this variant may disrupt the consensus splice site. This variant has not been reported in the literature in individuals affected with SCN11A-related conditions. This variant is present in population databases (no rsID available, gnomAD 0.007%). This sequence change falls in intron 20 of the SCN11A gene. It does not directly change the encoded amino acid sequence of the SCN11A protein. It affects a nucleotide within the consensus splice site.

Literature cited by the submitters: PubMed 17576681; PubMed 9536098.